The following is an entry in ClinVar:

NM_001312909.2(FAM111A):c.1037T>C (p.Val346Ala)

Genes: FAM111A (FAM111 trypsin like peptidase A; plus strand), LOC130005740 (ATAC-STARR-seq lymphoblastoid active region 4748; plus strand). Cytogenetic location: 11q12.1.
Variant type: single nucleotide variant.
Coding change: c.1037T>C on transcript NM_001312909.2 (MANE Select); coding-DNA position 1037, T replaced by C.
Protein change: p.Val346Ala; replaces valine 346 with alanine.
Molecular consequence: missense variant.
Genome position (GRCh38, 1-based): chr11:59,152,705, T>C. VCF-style: chr11-59152705-T-C. GRCh37 (hg19) VCF-style: chr11-58920178-T-C.
Other names: c.1037T>C, p.Val346Ala (NM_001142519.3, NM_001142520.3, NM_001142521.3 and 29 more transcripts); short protein forms V346A.
Identifiers: ClinVar variation 1990149 (VCV001990149.1), dbSNP rs2496301028, ClinGen allele CA380780370.

ClinVar aggregate classification (germline): Uncertain significance (1 of 4 stars; one submission).

Submission:

Labcorp Genetics (formerly Invitae), Labcorp
Classification: Uncertain significance. Last evaluated: 2022-02-20. Review status: criteria provided, single submitter. Criteria: Invitae Variant Classification Sherloc (09022015). Collection method: clinical testing. Allele origin: germline.
Comment: This sequence change replaces valine, which is neutral and non-polar, with alanine, which is neutral and non-polar, at codon 346 of the FAM111A protein (p.Val346Ala). This variant is not present in population databases (gnomAD no frequency). This variant has not been reported in the literature in individuals affected with FAM111A-related conditions. Algorithms developed to predict the effect of missense changes on protein structure and function (SIFT, PolyPhen-2, Align-GVGD) all suggest that this variant is likely to be tolerated. Algorithms developed to predict the effect of sequence changes on RNA splicing suggest that this variant may create or strengthen a splice site. In summary, the available evidence is currently insufficient to determine the role of this variant in disease. Therefore, it has been classified as a Variant of Uncertain Significance.